The following is an entry in ClinVar:

ClinVar aggregate classification (germline): Conflicting classifications of pathogenicity. Review status: criteria provided, conflicting classifications (1 of 4 stars). 4 submissions from 4 submitters: Uncertain significance (3); Likely benign (1). Last evaluated 2025-09-11.

Conditions:
Retinitis pigmentosa (RP). Identifiers: Orphanet 791, MedGen C0035334, MeSH D012174, MONDO:0019200, OMIM 268000. Inheritance: Autosomal dominant, autosomal recessive and X linked inheritance.

Allele frequency attached by ClinVar (database versions not stated): gnomAD exomes 0.00002 and 0.00007; ExAC 0.00005; ESP Exome Variant Server 0.00015; gnomAD 0.00024 and 0.00026; TOPMed 0.00031; 1000 Genomes Project 0.00040; 1000 Genomes Project 30x 0.00047.

Submissions (4):

Ambry Genetics
Classification: Uncertain significance. Last evaluated: 2025-09-11. Review status: criteria provided, single submitter. Criteria: Ambry Variant Classification Scheme 2023. Collection method: clinical testing. Allele origin: germline.

Blueprint Genetics
Classification: Likely benign. Last evaluated: 2023-12-27. Review status: criteria provided, single submitter. Criteria: ACMG Guidelines, 2015. Collection method: clinical testing. Allele origin: germline.

Labcorp Genetics (formerly Invitae), Labcorp
Classification: Uncertain significance. Last evaluated: 2023-11-27. Review status: criteria provided, single submitter. Criteria: Invitae Variant Classification Sherloc (09022015). Collection method: clinical testing. Allele origin: germline.
Comment: This sequence change replaces lysine, which is basic and polar, with asparagine, which is neutral and polar, at codon 208 of the IDH3B protein (p.Lys208Asn). This variant is present in population databases (rs148250924, gnomAD 0.09%). This variant has not been reported in the literature in individuals affected with IDH3B-related conditions. ClinVar contains an entry for this variant (Variation ID: 338022). Advanced modeling of protein sequence and biophysical properties (such as structural, functional, and spatial information, amino acid conservation, physicochemical variation, residue mobility, and thermodynamic stability) performed at Invitae indicates that this missense variant is not expected to disrupt IDH3B protein function with a negative predictive value of 80%. In summary, the available evidence is currently insufficient to determine the role of this variant in disease. Therefore, it has been classified as a Variant of Uncertain Significance.

Illumina Laboratory Services, Illumina
Classification: Uncertain significance for Retinitis pigmentosa. Last evaluated: 2018-01-13. Review status: criteria provided, single submitter. Criteria: ICSL Variant Classification Criteria 13 December 2019. Collection method: clinical testing. Allele origin: germline.

NM_006899.5(IDH3B):c.624G>C (p.Lys208Asn)

Gene: IDH3B (isocitrate dehydrogenase (NAD(+)) 3 non-catalytic subunit beta; minus strand). Cytogenetic location: 20p13.
Variant type: single nucleotide variant.
Coding change: c.624G>C on transcript NM_006899.5 (MANE Select); coding-DNA position 624, G replaced by C.
Protein change: p.Lys208Asn; replaces lysine 208 with asparagine.
Molecular consequence: missense variant. On other transcripts: non-coding transcript variant (1).
Genome position (GRCh38, 1-based): chr20:2,660,498, C>G on the plus strand (G>C on the coding strand, the complement: IDH3B is on the minus strand). VCF-style: chr20-2660498-C-G. GRCh37 (hg19) VCF-style: chr20-2641144-C-G.
Other names: c.624G>C, p.Lys208Asn (NM_001258384.3, NM_001330763.2, NM_174855.4); c.624G>C (NM_006899.2); short protein forms K208N.
Identifiers: ClinVar variation 338022 (VCV000338022.14), dbSNP rs148250924, ClinGen allele CA9735232.
Genomic context (GRCh38, chr20:2,660,498, plus strand): 5'-ACAAAGCCATGCCCCTCACATGATGTTGGCCTTGTGGACAGCAGTGACCTTGCCCCGCCC[C>G]TTCTTGGTGGCATAGTCAAAGGCGAACTTTGCAATCCGCTGAGACTTGGCTCGTGTGACA-3'
Protein context (NP_008830.2, residues 198-218): AKFAFDYATK[Lys208Asn]GRGKVTAVHK